The following is an entry in ClinVar:

NM_000138.5(FBN1):c.5296+1G>A

Gene: FBN1 (fibrillin 1; minus strand). Cytogenetic location: 15q21.1.
Variant type: single nucleotide variant.
Coding change: c.5296+1G>A on transcript NM_000138.5 (MANE Select); the canonical splice donor site of the intron after coding-DNA position 5296, G replaced by A.
Molecular consequence: splice donor variant.
Genome position (GRCh38, 1-based): chr15:48,460,245, C>T on the plus strand (G>A on the coding strand, the complement: FBN1 is on the minus strand). VCF-style: chr15-48460245-C-T. GRCh37 (hg19) VCF-style: chr15-48752442-C-T.
Other names: c.5296+1G>A (NM_001406716.1).
Identifiers: ClinVar variation 2137688 (VCV002137688.4), dbSNP rs1555396630, ClinGen allele CA392347942.
Genomic context (GRCh38, chr15:48,460,245, plus strand): 5'-AAAATAATGCTAACACAAAGGCAAAAAACCAGAAAGTTCTGACAATGCCGTCATGACTCA[C>T]CAACGGGTAAACCGGTATAAATGTCGATGACAAAGCCTGGCCTTTGACTTCCACAGAGTG-3'

ClinVar aggregate classification (germline): Pathogenic (1 of 4 stars; one submission).

Conditions:
Familial thoracic aortic aneurysm and aortic dissection (TAAD). Also called: Thoracic aortic aneurysms and dissections. Identifiers: Orphanet 91387, MedGen C4707243, MONDO:0019625.
Marfan syndrome (MFS). Also called: MARFAN SYNDROME, TYPE I; Marfan syndrome type 1; Marfan's syndrome; Marfan syndrome, classic; FBN1-Related Marfan Syndrome. Identifiers: Orphanet 284963, Orphanet 558, MedGen C0024796, MONDO:0007947, OMIM 154700.

Submission:

Labcorp Genetics (formerly Invitae), Labcorp
Classification: Pathogenic for Marfan syndrome; Familial thoracic aortic aneurysm and aortic dissection. Last evaluated: 2022-07-29. Review status: criteria provided, single submitter. Criteria: Invitae Variant Classification Sherloc (09022015). Collection method: clinical testing. Allele origin: germline.
Comment: For these reasons, this variant has been classified as Pathogenic. Algorithms developed to predict the effect of sequence changes on RNA splicing suggest that this variant may disrupt the consensus splice site. Disruption of this splice site has been observed in individuals with FBN1-related conditions (PMID: 27906200; Invitae). This variant is not present in population databases (gnomAD no frequency). This sequence change affects a donor splice site in intron 43 of the FBN1 gene. It is expected to disrupt RNA splicing. Variants that disrupt the donor or acceptor splice site typically lead to a loss of protein function (PMID: 16199547), and loss-of-function variants in FBN1 are known to be pathogenic (PMID: 17657824, 19293843).

Literature cited by the submitters: PubMed 27906200; PubMed 16199547; PubMed 17657824; PubMed 19293843.